The following is an entry in ClinVar:

ClinVar aggregate classification (germline): Uncertain significance (1 of 4 stars; one submission).

Conditions:
Carnitine palmitoyl transferase 1A deficiency. Also called: CPT deficiency, hepatic, type IA; CPT I DEFICIENCY; CPT DEFICIENCY, HEPATIC, TYPE I; Carnitine palmitoyltransferase type I deficiency; Carnitine palmitoyltransferase 1A deficiency. Identifiers: Orphanet 156, MedGen C1829703, MONDO:0009705, OMIM 255120.

Allele frequency attached by ClinVar (database versions not stated): gnomAD exomes below 0.00001.
gnomAD v4.1: 4 of 1,612,662 alleles (0.00025%); highest among the groups gnomAD compares: Middle Eastern, 0.017%; no homozygotes.

Submission:

Labcorp Genetics (formerly Invitae), Labcorp
Classification: Uncertain significance for Carnitine palmitoyl transferase 1A deficiency. Last evaluated: 2021-08-28. Review status: criteria provided, single submitter. Criteria: Invitae Variant Classification Sherloc (09022015). Collection method: clinical testing. Allele origin: germline.
Comment: This sequence change replaces proline with alanine at codon 523 of the CPT1A protein (p.Pro523Ala). The proline residue is moderately conserved and there is a small physicochemical difference between proline and alanine. This variant is not present in population databases (ExAC no frequency). This variant has not been reported in the literature in individuals affected with CPT1A-related conditions. Algorithms developed to predict the effect of missense changes on protein structure and function (SIFT, PolyPhen-2, Align-GVGD) all suggest that this variant is likely to be tolerated. In summary, the available evidence is currently insufficient to determine the role of this variant in disease. Therefore, it has been classified as a Variant of Uncertain Significance.

NM_001876.4(CPT1A):c.1567C>G (p.Pro523Ala)

Gene: CPT1A (carnitine palmitoyltransferase 1A; minus strand). Cytogenetic location: 11q13.3.
Variant type: single nucleotide variant.
Coding change: c.1567C>G on transcript NM_001876.4 (MANE Select); coding-DNA position 1567, C replaced by G.
Protein change: p.Pro523Ala; replaces proline 523 with alanine.
Molecular consequence: missense variant.
Genome position (GRCh38, 1-based): chr11:68,775,324, G>C on the plus strand (C>G on the coding strand, the complement: CPT1A is on the minus strand). VCF-style: chr11-68775324-G-C. GRCh37 (hg19) VCF-style: chr11-68542792-G-C.
Other names: c.1567C>G, p.Pro523Ala (NM_001031847.3); short protein forms P523A.
Identifiers: ClinVar variation 1408072 (VCV001408072.5), dbSNP rs1855114160, ClinGen allele CA381629704.
Genomic context (GRCh38, chr11:68,775,324, plus strand): 5'-AATGTGTTTCCCATCCCAGGTAAGTAACAATGGTTGGATAATCCGGACTTACTTCCCCCG[G>C]GATGTCCCACTGCAGCCTGGTGGGGTACGGAATGTTCGGATTGATGTCGCCTTTGCAGTG-3'
Protein context (NP_001867.2, residues 513-533): PYPTRLQWDI[Pro523Ala]GECQEVIETS